The following is an entry in ClinVar:

NM_002860.4(ALDH18A1):c.1658A>C (p.Asp553Ala)

Gene: ALDH18A1 (aldehyde dehydrogenase 18 family member A1; minus strand). Cytogenetic location: 10q24.1.
Variant type: single nucleotide variant.
Coding change: c.1658A>C on transcript NM_002860.4 (MANE Select); coding-DNA position 1658, A replaced by C.
Protein change: p.Asp553Ala; replaces aspartic acid 553 with alanine.
Molecular consequence: missense variant.
Genome position (GRCh38, 1-based): chr10:95,614,109, T>G on the plus strand (A>C on the coding strand, the complement: ALDH18A1 is on the minus strand). VCF-style: chr10-95614109-T-G. GRCh37 (hg19) VCF-style: chr10-97373866-T-G.
Other names: c.1652A>C, p.Asp551Ala (NM_001017423.2, NM_001323415.2); c.1325A>C, p.Asp442Ala (NM_001323412.2, NM_001323416.2); c.1658A>C, p.Asp553Ala (NM_001323413.2, NM_001323414.2); c.1553A>C, p.Asp518Ala (NM_001323417.2); c.1319A>C, p.Asp440Ala (NM_001323418.2); c.1022A>C, p.Asp341Ala (NM_001323419.2); short protein forms D341A, D440A, D442A, D518A, D551A, D553A.
Identifiers: ClinVar variation 3343493 (VCV003343493.2).

ClinVar aggregate classification (germline): Uncertain significance (1 of 4 stars; one submission).

Submission:

GeneDx
Classification: Uncertain significance. Last evaluated: 2025-11-03. Review status: criteria provided, single submitter. Criteria: GeneDx Variant Classification Process June 2021. Collection method: clinical testing. Allele origin: germline.
Comment: Not observed at significant frequency in large population cohorts (gnomAD); In silico analysis supports that this missense variant has a deleterious effect on protein structure/function; Has not been previously published as pathogenic or benign to our knowledge